The following is an entry in ClinVar:

ClinVar aggregate classification (germline): Uncertain significance. Review status: criteria provided, multiple submitters, no conflicts (2 of 4 stars). 3 submissions from 3 submitters: Uncertain significance (3). Last evaluated 2026-01-26.

Conditions:
POLE-related disorder. Also called: POLE-related disorders; POLE-related condition.
Hereditary cancer-predisposing syndrome. Also called: Tumor predisposition; Hereditary neoplastic syndrome; Neoplastic Syndromes, Hereditary; Hereditary Cancer Syndrome. Identifiers: Orphanet 140162, MedGen C0027672, MeSH D009386, MONDO:0015356.

Allele frequency attached by ClinVar (database versions not stated): gnomAD 0.00001; gnomAD exomes 0.00001; TOPMed 0.00002.
gnomAD v4.1: 17 of 1,613,700 alleles (0.0011%); highest among the groups gnomAD compares: African/African-American, 0.0027%; no homozygotes.

Submissions (3):

Labcorp Genetics (formerly Invitae), Labcorp
Classification: Uncertain significance. Last evaluated: 2026-01-26. Review status: criteria provided, single submitter. Criteria: Invitae Variant Classification Sherloc (09022015). Collection method: clinical testing. Allele origin: germline.
Comment: This sequence change replaces arginine, which is basic and polar, with glutamine, which is neutral and polar, at codon 749 of the POLE protein (p.Arg749Gln). This variant is not present in population databases (gnomAD no frequency). This missense change has been observed in individual(s) with POLE-related conditions (PMID: 35534704). ClinVar contains an entry for this variant (Variation ID: 540678). Invitae Evidence Modeling of protein sequence and biophysical properties (such as structural, functional, and spatial information, amino acid conservation, physicochemical variation, residue mobility, and thermodynamic stability) has been performed for this missense variant. However, the output from this modeling did not meet the statistical confidence thresholds required to predict the impact of this variant on POLE protein function. RNA analysis performed to evaluate the impact of this missense change on mRNA splicing indicates it does not significantly alter splicing (internal data). In summary, the available evidence is currently insufficient to determine the role of this variant in disease. Therefore, it has been classified as a Variant of Uncertain Significance.

PreventionGenetics, part of Exact Sciences
Classification: Uncertain significance for POLE-related condition. Last evaluated: 2025-08-20. Review status: criteria provided, single submitter. Criteria: ACMG Guidelines, 2015. Collection method: clinical testing. Allele origin: germline.
Comment: The POLE c.2246G>A variant is predicted to result in the amino acid substitution p.Arg749Gln. To our knowledge, this variant has not been reported in the literature or in a large population database (gnomAD), indicating this variant is rare. This variant is interpreted as uncertain in ClinVar (Variation ID: 540678). An alternate missense change at the same amino acid position (p.Arg749Trp) has been reported in individuals in familial cancer sequencing cohorts (Table S4, Bhai et al. 2021. PubMed ID: 34326862; Supplementary Table 3, de Oliveira et al. 2022. PubMed ID: 35534704). At this time, the clinical significance of this variant is uncertain due to the absence of conclusive functional and genetic evidence.

Ambry Genetics
Classification: Uncertain significance for Hereditary cancer-predisposing syndrome. Last evaluated: 2025-01-09. Review status: criteria provided, single submitter. Criteria: Ambry Variant Classification Scheme 2023. Collection method: clinical testing. Allele origin: germline.
Comment: The p.R749Q variant (also known as c.2246G>A), located in coding exon 20 of the POLE gene, results from a G to A substitution at nucleotide position 2246. The arginine at codon 749 is replaced by glutamine, an amino acid with highly similar properties. This amino acid position is conserved. In addition, the in silico prediction for this alteration is inconclusive. Since supporting evidence is limited at this time, the clinical significance of this alteration remains unclear.

Literature cited by the submitters: PubMed 35534704 (cited by Labcorp Genetics (formerly Invitae), Labcorp).

NM_006231.4(POLE):c.2246G>A (p.Arg749Gln)

Gene: POLE (DNA polymerase epsilon, catalytic subunit; minus strand). Cytogenetic location: 12q24.33.
Variant type: single nucleotide variant.
Coding change: c.2246G>A on transcript NM_006231.4 (MANE Select); coding-DNA position 2246, G replaced by A.
Protein change: p.Arg749Gln; replaces arginine 749 with glutamine.
Molecular consequence: missense variant.
Genome position (GRCh38, 1-based): chr12:132,667,576, C>T on the plus strand (G>A on the coding strand, the complement: POLE is on the minus strand). VCF-style: chr12-132667576-C-T. GRCh37 (hg19) VCF-style: chr12-133244162-C-T.
Other names: short protein forms R749Q.
Identifiers: ClinVar variation 540678 (VCV000540678.17), dbSNP rs1010159851, ClinGen allele CA246287914.